The following is an entry in ClinVar:

ClinVar aggregate classification (germline): Pathogenic (1 of 4 stars; one submission).

Conditions:
Primary ciliary dyskinesia 3. Identifiers: Orphanet 244, MedGen C1837618, MONDO:0012085, OMIM 608644.

Submission:

Myriad Genetics, Inc.
Classification: Pathogenic for Primary ciliary dyskinesia 3. Last evaluated: 2024-05-14. Review status: criteria provided, single submitter. Criteria: Myriad Autosomal Dominant, Autosomal Recessive and X-Linked Classification Criteria (2023). Collection method: clinical testing. Allele origin: unknown.
Comment: NM_001369.2(DNAH5):c.3032_3033ins11(A1012Cfs*27) is expected to be pathogenic in the context of primary ciliary dyskinesia, DNAH5-related. This variant is predicted to lead to an abnormal or absent protein product due to the creation of a premature termination codon in DNAH5, a gene where loss-of-function variants are known to be pathogenic. Please note: this variant was assessed in the context of healthy population screening.

NM_001369.3(DNAH5):c.3032_3033insATGTTGGGAAT (p.Ala1012fs)

Genes: DNAH5 (dynein axonemal heavy chain 5; minus strand), DNAH5-AS1 (DNAH5 antisense RNA 1; plus strand). Cytogenetic location: 5p15.2.
Variant type: Insertion.
Coding change: c.3032_3033insATGTTGGGAAT on transcript NM_001369.3 (MANE Select); coding-DNA positions 3032 to 3033, ATGTTGGGAAT inserted.
Protein change: p.Ala1012fs; shifts the reading frame from alanine 1012.
Molecular consequence: frameshift variant.
Genome position: GRCh38 VCF-style: chr5-13883045-C-CATTCCCAACAT. GRCh37 (hg19) VCF-style: chr5-13883154-C-CATTCCCAACAT.
Other names: short protein forms A1012fs.
Identifiers: ClinVar variation 5010862 (VCV005010862.1).
Genomic context (GRCh38, chr5:13,883,045, plus strand): 5'-CTGTACATCTTCCAGGGCAGGGGCCATGACGATGTTGGGAATGGCCAGAGTGACGCTTGC[C>CATTCCCAACAT]CGGAAAATGGGCAAACTGTTCTGCTTCATGTTAGAGGCACTGTTACTGTCTGAGTTAACC-3'